The following is an entry in ClinVar:

NC_000016.10:g.(?_89758571)_(89784970_?)del

Genes: FANCA (FA complementation group A; minus strand), LOC130059837 (ATAC-STARR-seq lymphoblastoid active region 11420; plus strand), LOC130059838 (ATAC-STARR-seq lymphoblastoid active region 11421; plus strand). Cytogenetic location: 16q24.3.
Variant type: Deletion.
Identifiers: ClinVar variation 583996 (VCV000583996.6).

ClinVar aggregate classification (germline): Pathogenic (1 of 4 stars; one submission).

Conditions:
Fanconi anemia (FA). Also called: Fanconi's anemia. Identifiers: Orphanet 84, MedGen C0015625, MeSH D005199, MONDO:0019391.

Submission:

Labcorp Genetics (formerly Invitae), Labcorp
Classification: Pathogenic for Fanconi anemia. Last evaluated: 2021-12-08. Review status: criteria provided, single submitter. Criteria: Invitae Variant Classification Sherloc (09022015). Collection method: clinical testing. Allele origin: germline.
Comment: For these reasons, this variant has been classified as Pathogenic. This variant has not been reported in the literature in individuals affected with FANCA-related conditions. This variant is a gross deletion of the genomic region encompassing exon(s) 15-30 of the FANCA gene. This deletion is out-of-frame, and is expected to create a premature termination codon and result in an absent or disrupted protein product. Loss-of-function variants in FANCA are known to be pathogenic (PMID: 19367192).

Literature cited by the submitters: PubMed 19367192.